The following is an entry in ClinVar:

NM_001080467.3(MYO5B):c.4612-6T>C

Genes: MYO5B (myosin VB; minus strand), SNHG22 (small nucleolar RNA host gene 22; plus strand). Cytogenetic location: 18q21.1.
Variant type: single nucleotide variant.
Coding change: c.4612-6T>C on transcript NM_001080467.3 (MANE Select); 6 bases into the intron before coding-DNA position 4612, T replaced by C.
Molecular consequence: intron variant.
Genome position (GRCh38, 1-based): chr18:49,841,460, A>G on the plus strand (T>C on the coding strand, the complement: MYO5B is on the minus strand). VCF-style: chr18-49841460-A-G. GRCh37 (hg19) VCF-style: chr18-47367830-A-G.
Other names: c.4612-6T>C (NM_001080467.2).
Identifiers: ClinVar variation 1967827 (VCV001967827.7), dbSNP rs769460035, ClinGen allele CA8960282.

ClinVar aggregate classification (germline): Likely benign. Review status: criteria provided, single submitter (1 of 4 stars). 2 submissions from 2 submitters: Likely benign (1). 1 of the submissions does not count toward it. Last evaluated 2023-12-02.

Conditions:
MYO5B-related disorder. Also called: MYO5B-related condition.

Allele frequency attached by ClinVar (database versions not stated): gnomAD exomes 0.00001; ExAC 0.00002; gnomAD 0.00002; TOPMed 0.00002.
gnomAD v4.1: 12 of 1,613,462 alleles (0.00074%); highest among the groups gnomAD compares: African/African-American, 0.0013%; no homozygotes.

Submissions (2):

Labcorp Genetics (formerly Invitae), Labcorp
Classification: Likely benign. Last evaluated: 2023-12-02. Review status: criteria provided, single submitter. Criteria: Invitae Variant Classification Sherloc (09022015). Collection method: clinical testing. Allele origin: germline.

PreventionGenetics, part of Exact Sciences
Classification: Likely benign for MYO5B-related condition. Last evaluated: 2023-04-04. Review status: no assertion criteria provided. Collection method: clinical testing. Allele origin: germline. Not counted in ClinVar's aggregate classification.
Comment: This variant is classified as likely benign based on ACMG/AMP sequence variant interpretation guidelines (Richards et al. 2015 PMID: 25741868, with internal and published modifications).